The following is an entry in ClinVar:

ClinVar aggregate classification (germline): Benign/Likely benign. Review status: criteria provided, multiple submitters, no conflicts (2 of 4 stars). 3 submissions from 3 submitters: Benign (1); Likely benign (2). Last evaluated 2026-09-01.

Allele frequency attached by ClinVar (database versions not stated): 1000 Genomes Project 30x 0.00031; 1000 Genomes Project 0.00040; ESP Exome Variant Server 0.00162; gnomAD 0.00170 and 0.00177; gnomAD exomes 0.00173 and 0.00217; TOPMed 0.00176; ExAC 0.00213.
gnomAD v4.1: 3,386 of 1,608,204 alleles (0.21%); highest among the groups gnomAD compares: Non-Finnish European, 0.26%; 4 homozygotes.

Submissions (3):

CeGaT Center for Human Genetics Tuebingen
Classification: Likely benign. Last evaluated: 2026-09-01. Review status: criteria provided, single submitter. Criteria: CeGaT Center For Human Genetics Tuebingen Variant Classification Criteria Version 2. Collection method: clinical testing. Allele origin: germline. Affected: yes. Observed: 2 variant alleles.
Comment: IFNAR1: BP4, BP7

Labcorp Genetics (formerly Invitae), Labcorp
Classification: Benign. Last evaluated: 2026-01-22. Review status: criteria provided, single submitter. Criteria: Invitae Variant Classification Sherloc (09022015). Collection method: clinical testing. Allele origin: germline.

Blueprint Genetics
Classification: Likely benign. Last evaluated: 2024-10-30. Review status: criteria provided, single submitter. Criteria: ACMG Guidelines, 2015. Collection method: clinical testing. Allele origin: germline.

NM_000629.3(IFNAR1):c.624G>A (p.Thr208=)

Gene: IFNAR1 (interferon alpha and beta receptor subunit 1; plus strand). Cytogenetic location: 21q22.11.
Variant type: single nucleotide variant.
Coding change: c.624G>A on transcript NM_000629.3 (MANE Select); coding-DNA position 624, G replaced by A.
Protein change: p.Thr208=; no amino-acid change (threonine 208 retained).
Molecular consequence: synonymous variant. On other transcripts: 5 prime UTR variant (1).
Genome position (GRCh38, 1-based): chr21:33,343,627, G>A. VCF-style: chr21-33343627-G-A. GRCh37 (hg19) VCF-style: chr21-34715933-G-A.
Other names: c.624G>A, p.Thr208= (NM_001384498.1, NM_001384499.1, NM_001384501.1 and 1 more transcripts); c.-139G>A (NM_001384500.1); c.162G>A, p.Thr54= (NM_001384502.1); c.417G>A, p.Thr139= (NM_001384504.1).
Identifiers: ClinVar variation 1169450 (VCV001169450.34), dbSNP rs144040431, ClinGen allele CA10006536.
Genomic context (GRCh38, chr21:33,343,627, plus strand): 5'-AATTTATAAACTCTCACCAGAGACTACTTATTGTCTAAAAGTTAAAGCAGCACTACTTAC[G>A]TCATGGAAAATTGGTGTCTATAGTCCAGTACATTGTATAAAGACCACAGGTAAGGAAGAT-3'
Protein context (NP_000620.2, residues 198-218): YCLKVKAALL[Thr208=]SWKIGVYSPV